The following is an entry in ClinVar:

ClinVar aggregate classification (germline): Uncertain significance. Review status: criteria provided, single submitter (1 of 4 stars). 2 submissions from 2 submitters: Uncertain significance (1). 1 of the submissions does not count toward it. Last evaluated 2022-03-21.

Conditions:
Neuromuscular disease caused by qualitative or quantitative defects of dysferlin. Also called: Qualitative or quantitative defects of dysferlin; Dysferlinopathy. Identifiers: Orphanet 207073, MedGen C2931687, MONDO:0016145.
Autosomal recessive limb-girdle muscular dystrophy type 2B (LGMDR2). Also called: MUSCULAR DYSTROPHY, LIMB-GIRDLE, AUTOSOMAL RECESSIVE 2; Limb-Girdle Muscular Dystrophy Type 2B (LGMD2B); Limb-girdle muscular dystrophy, type 2B; MUSCULAR DYSTROPHY, LIMB-GIRDLE, TYPE 3. Identifiers: Orphanet 268, MedGen C1850889, MONDO:0009676, OMIM 253601.

Allele frequency attached by ClinVar (database versions not stated): gnomAD exomes below 0.00001; TOPMed below 0.00001.
gnomAD v4.1: 2 of 1,613,650 alleles (0.00012%); highest among the groups gnomAD compares: Non-Finnish European, 0.00017%; no homozygotes.

Submissions (2):

Labcorp Genetics (formerly Invitae), Labcorp
Classification: Uncertain significance for Neuromuscular disease caused by qualitative or quantitative defects of dysferlin. Last evaluated: 2022-03-21. Review status: criteria provided, single submitter. Criteria: Invitae Variant Classification Sherloc (09022015). Collection method: clinical testing. Allele origin: germline.
Comment: This sequence change replaces isoleucine, which is neutral and non-polar, with valine, which is neutral and non-polar, at codon 1458 of the DYSF protein (p.Ile1458Val). This variant is not present in population databases (gnomAD no frequency). This variant has not been reported in the literature in individuals affected with DYSF-related conditions. Advanced modeling of protein sequence and biophysical properties (such as structural, functional, and spatial information, amino acid conservation, physicochemical variation, residue mobility, and thermodynamic stability) performed at Invitae indicates that this missense variant is not expected to disrupt DYSF protein function. In summary, the available evidence is currently insufficient to determine the role of this variant in disease. Therefore, it has been classified as a Variant of Uncertain Significance.

Natera, Inc.
Classification: Uncertain significance for Limb-girdle muscular dystrophy type 2B. Last evaluated: 2025-02-26. Review status: no assertion criteria provided. Collection method: clinical testing. Allele origin: germline. Not counted in ClinVar's aggregate classification.

NM_001130987.2(DYSF):c.4426A>G (p.Ile1476Val)

Gene: DYSF (dysferlin; plus strand). Cytogenetic location: 2p13.2.
Variant type: single nucleotide variant.
Coding change: c.4426A>G on transcript NM_001130987.2 (MANE Select); coding-DNA position 4426, A replaced by G.
Protein change: p.Ile1476Val; replaces isoleucine 1476 with valine.
Molecular consequence: missense variant.
Genome position (GRCh38, 1-based): chr2:71,613,372, A>G. VCF-style: chr2-71613372-A-G. GRCh37 (hg19) VCF-style: chr2-71840502-A-G.
Other names: c.4375A>G, p.Ile1459Val (NM_001130455.2, NM_001130983.2); c.4330A>G, p.Ile1444Val (NM_001130976.2, NM_001130977.2); c.4372A>G, p.Ile1458Val (NM_001130978.2, NM_003494.4); c.4465A>G, p.Ile1489Val (NM_001130979.2); c.4423A>G, p.Ile1475Val (NM_001130980.2, NM_001130981.2); c.4468A>G, p.Ile1490Val (NM_001130982.2); c.4333A>G, p.Ile1445Val (NM_001130984.2, NM_001130986.2); c.4426A>G, p.Ile1476Val (NM_001130985.2); and 1 more; short protein forms I1459V, I1476V, I1445V, I1458V, I1475V, I1444V, I1489V, I1490V.
Identifiers: ClinVar variation 1923502 (VCV001923502.3), dbSNP rs1298541762, ClinGen allele CA347229599.